The following is an entry in ClinVar:

NM_001330574.2(ZNF711):c.-449A>G

Gene: ZNF711 (ZFX family zinc finger ZNF711; plus strand). Cytogenetic location: Xq21.1.
Variant type: single nucleotide variant.
Coding change: c.-449A>G on transcript NM_001330574.2 (MANE Select); 449 bases upstream of the start codon, A replaced by G.
Molecular consequence: 5 prime UTR variant.
Genome position (GRCh38, 1-based): chrX:85,244,148, A>G. VCF-style: chrX-85244148-A-G. GRCh37 (hg19) VCF-style: chrX-84499154-A-G.
Other names: c.-190A>G (NM_021998.5).
Identifiers: ClinVar variation 368741 (VCV000368741.6), dbSNP rs375972814, ClinGen allele CA10652097.

ClinVar aggregate classification (germline): Benign. Review status: criteria provided, multiple submitters, no conflicts (2 of 4 stars). 2 submissions from 2 submitters: Benign (2). Last evaluated 2018-01-13.

Conditions:
Intellectual developmental disorder, X-linked 97. Also called: Intellectual disability, X-linked 97. Identifiers: Orphanet 777, MedGen C2749020, MONDO:0010430, OMIM 300803.

Allele frequency attached by ClinVar (database versions not stated): gnomAD 0.03298 and 0.03123; gnomAD exomes 0.02825; 1000 Genomes Project 0.04265.
gnomAD v4.1: 3,997 of 132,426 alleles (3%); highest among the groups gnomAD compares: African/African-American, 8.4%; 105 homozygotes.

Submissions (2):

Illumina Laboratory Services, Illumina
Classification: Benign for Intellectual developmental disorder, X-linked 97. Last evaluated: 2018-01-13. Review status: criteria provided, single submitter. Criteria: ICSL Variant Classification Criteria 13 December 2019. Collection method: clinical testing. Allele origin: germline.
Comment: This variant was observed in the ICSL laboratory as part of a predisposition screen in an ostensibly healthy population. It had not been previously curated by ICSL or reported in the Human Gene Mutation Database (HGMD: prior to June 1st, 2018), and was therefore a candidate for classification through an automated scoring system. Utilizing variant allele frequency, disease prevalence and penetrance estimates, and inheritance mode, an automated score was calculated to assess if this variant is too frequent to cause the disease. Based on the score and internal cut-off values, a variant classified as benign is not then subjected to further curation. The score for this variant resulted in a classification of benign for this disease.

Breakthrough Genomics
Classification: Benign. Review status: criteria provided, single submitter. Criteria: ACMG Guidelines, 2015. Collection method: not provided. Allele origin: germline. Inheritance: X-linked inheritance. Affected: yes.